The following is an entry in ClinVar:

ClinVar aggregate classification (germline): Uncertain significance (1 of 4 stars; one submission).

Conditions:
Inborn genetic diseases. Identifiers: MedGen C0950123, MeSH D030342.

gnomAD v4.1: 4 of 1,613,480 alleles (0.00025%); highest among the groups gnomAD compares: Non-Finnish European, 0.00025%; no homozygotes.

Submission:

Ambry Genetics
Classification: Uncertain significance for Inborn genetic diseases. Last evaluated: 2025-02-27. Review status: criteria provided, single submitter. Criteria: Ambry Variant Classification Scheme 2023. Collection method: clinical testing. Allele origin: germline.
Comment: The p.W275C variant (also known as c.825G>C), located in coding exon 7 of the HAX1 gene, results from a G to C substitution at nucleotide position 825. The tryptophan at codon 275 is replaced by cysteine, an amino acid with highly dissimilar properties. This amino acid position is conserved. In addition, the in silico prediction for this alteration is inconclusive. Based on the available evidence, the clinical significance of this variant remains unclear.

NM_006118.4(HAX1):c.825G>C (p.Trp275Cys)

Gene: HAX1 (HCLS1 associated protein X-1; plus strand). Cytogenetic location: 1q21.3.
Variant type: single nucleotide variant.
Coding change: c.825G>C on transcript NM_006118.4 (MANE Select); coding-DNA position 825, G replaced by C.
Protein change: p.Trp275Cys; replaces tryptophan 275 with cysteine.
Molecular consequence: missense variant.
Genome position (GRCh38, 1-based): chr1:154,275,686, G>C. VCF-style: chr1-154275686-G-C. GRCh37 (hg19) VCF-style: chr1-154248162-G-C.
Other names: c.681G>C, p.Trp227Cys (NM_001018837.2); short protein forms W227C, W275C.
Identifiers: ClinVar variation 3856900 (VCV003856900.1).